The following is an entry in ClinVar:

NM_014000.3(VCL):c.1074G>A (p.Gln358=)

Gene: VCL (vinculin; plus strand). Cytogenetic location: 10q22.2.
Variant type: single nucleotide variant.
Coding change: c.1074G>A on transcript NM_014000.3 (MANE Select); coding-DNA position 1074, G replaced by A.
Protein change: p.Gln358=; no amino-acid change (glutamine 358 retained).
Molecular consequence: synonymous variant.
Genome position (GRCh38, 1-based): chr10:74,089,247, G>A. VCF-style: chr10-74089247-G-A. GRCh37 (hg19) VCF-style: chr10-75849005-G-A.
Other names: c.1074G>A, p.Gln358= (NM_003373.4).
Identifiers: ClinVar variation 380681 (VCV000380681.1), dbSNP rs1057520879, ClinGen allele CA16606055.

ClinVar aggregate classification (germline): Likely benign (1 of 4 stars; one submission).

Submission:

GeneDx
Classification: Likely benign. Last evaluated: 2015-10-21. Review status: criteria provided, single submitter. Criteria: GeneDx Variant Classification (06012015). Collection method: clinical testing. Allele origin: germline. Affected: yes.
Comment: This variant is considered likely benign or benign based on one or more of the following criteria: it is a conservative change, it occurs at a poorly conserved position in the protein, it is predicted to be benign by multiple in silico algorithms, and/or has population frequency not consistent with disease.